The following is an entry in ClinVar:

ClinVar aggregate classification (germline): Uncertain significance. Review status: criteria provided, multiple submitters, no conflicts (2 of 4 stars). 8 submissions from 8 submitters: Uncertain significance (8). Last evaluated 2025-03-18.

Conditions:
Inborn genetic diseases. Identifiers: MedGen C0950123, MeSH D030342.
Neuronal ceroid lipofuscinosis. Also called: Neuronal Ceroid Lipofuscinoses. Identifiers: Orphanet 216, Orphanet 79263, MedGen C0027877, MONDO:0016295. Disease mechanism: loss of function.
Neuronal ceroid lipofuscinosis 10 (CLN10). Also called: NEURONAL CEROID LIPOFUSCINOSIS DUE TO CATHEPSIN D DEFICIENCY; CTSD-Related Neuronal Ceroid-Lipofuscinosis. Identifiers: Orphanet 228337, MedGen C1864669, MONDO:0012414, OMIM 610127.

Allele frequency attached by ClinVar (database versions not stated): TOPMed 0.00010; gnomAD 0.00012 and 0.00013; ESP Exome Variant Server 0.00015.
gnomAD v4.1: 342 of 1,612,984 alleles (0.021%); highest among the groups gnomAD compares: Admixed American, 0.028%; no homozygotes.

Submissions (8):

Ambry Genetics
Classification: Uncertain significance for Inborn genetic diseases. Last evaluated: 2025-03-18. Review status: criteria provided, single submitter. Criteria: Ambry Variant Classification Scheme 2023. Collection method: clinical testing. Allele origin: germline.

Revvity Omics, Revvity
Classification: Uncertain significance for Neuronal ceroid lipofuscinosis 10. Last evaluated: 2025-02-28. Review status: criteria provided, single submitter. Criteria: ACMG Guidelines, 2015. Collection method: clinical testing. Allele origin: germline.

Labcorp Genetics (formerly Invitae), Labcorp
Classification: Uncertain significance for Neuronal ceroid lipofuscinosis. Last evaluated: 2022-08-09. Review status: criteria provided, single submitter. Criteria: Invitae Variant Classification Sherloc (09022015). Collection method: clinical testing. Allele origin: germline.
Comment: This sequence change replaces valine, which is neutral and non-polar, with isoleucine, which is neutral and non-polar, at codon 388 of the CTSD protein (p.Val388Ile). This variant is present in population databases (rs202073338, gnomAD 0.05%). This variant has not been reported in the literature in individuals affected with CTSD-related conditions. ClinVar contains an entry for this variant (Variation ID: 287566). Algorithms developed to predict the effect of missense changes on protein structure and function are either unavailable or do not agree on the potential impact of this missense change (SIFT: "Tolerated"; PolyPhen-2: "Possibly Damaging"; Align-GVGD: "Class C0"). In summary, the available evidence is currently insufficient to determine the role of this variant in disease. Therefore, it has been classified as a Variant of Uncertain Significance.

Fulgent Genetics
Classification: Uncertain significance for Neuronal ceroid lipofuscinosis 10. Last evaluated: 2021-12-10. Review status: criteria provided, single submitter. Criteria: ACMG Guidelines, 2015. Collection method: clinical testing. Allele origin: unknown.

Department of Pathology and Laboratory Medicine, Sinai Health System
Classification: Uncertain significance for neuronal ceroid lipofuscinosis. Last evaluated: 2021-07-30. Review status: criteria provided, single submitter. Criteria: ACMG Guidelines, 2015. Collection method: research. Allele origin: germline.

GeneDx
Classification: Uncertain significance. Last evaluated: 2018-10-24. Review status: criteria provided, single submitter. Criteria: GeneDx Variant Classification (06012015). Collection method: clinical testing. Allele origin: germline. Affected: yes.
Comment: The V388I variant has not been published as a pathogenic variant, nor has it been reported as a benign variant to our knowledge. The V388I variant is observed in 16/34412 (0.05%) alleles from individuals of Latino background in large population cohorts (Lek et al., 2016). The V388I variant is a conservative amino acid substitution, which is not likely to impact secondary protein structure as these residues share similar properties. In-silico analyses, including protein predictors and evolutionary conservation, support that this variant does not alter protein structure/function. Based on the currently available information, it is unclear whether this variant is a pathogenic variant or a rare benign variant.

Illumina Laboratory Services, Illumina
Classification: Uncertain significance for Neuronal ceroid lipofuscinosis 10. Last evaluated: 2018-01-13. Review status: criteria provided, single submitter. Criteria: ICSL Variant Classification Criteria 13 December 2019. Collection method: clinical testing. Allele origin: germline.

Eurofins Ntd Llc (ga)
Classification: Uncertain significance. Last evaluated: 2016-06-03. Review status: criteria provided, single submitter. Criteria: EGL Classification Definitions 2015. Collection method: clinical testing. Allele origin: germline. Observed: 2 variant alleles, 2 heterozygotes.

NM_001909.5(CTSD):c.1162G>A (p.Val388Ile)

Gene: CTSD (cathepsin D; minus strand). Cytogenetic location: 11p15.5.
Variant type: single nucleotide variant.
Coding change: c.1162G>A on transcript NM_001909.5 (MANE Select); coding-DNA position 1162, G replaced by A.
Protein change: p.Val388Ile; replaces valine 388 with isoleucine.
Molecular consequence: missense variant.
Genome position (GRCh38, 1-based): chr11:1,753,580, C>T on the plus strand (G>A on the coding strand, the complement: CTSD is on the minus strand). VCF-style: chr11-1753580-C-T. GRCh37 (hg19) VCF-style: chr11-1774810-C-T.
Other names: short protein forms V388I.
Identifiers: ClinVar variation 287566 (VCV000287566.22), dbSNP rs202073338, ClinGen allele CA5813883.